The following is an entry in ClinVar:

ClinVar aggregate classification (germline): Benign/Likely benign. Review status: criteria provided, multiple submitters, no conflicts (2 of 4 stars). 5 submissions from 5 submitters: Benign (1); Likely benign (3). 1 of the submissions does not count toward it. Last evaluated 2025-11-01.

Conditions:
USP9X-related disorder. Also called: USP9X-related condition.
Inborn genetic diseases. Identifiers: MedGen C0950123, MeSH D030342.

Allele frequency attached by ClinVar (database versions not stated): gnomAD exomes 0.00005 and 0.00010; ExAC 0.00013; 1000 Genomes Project 30x 0.00021; 1000 Genomes Project 0.00026; gnomAD 0.00036 and 0.00043; TOPMed 0.00047; ESP Exome Variant Server 0.00049.
gnomAD v4.1: 95 of 1,209,162 alleles (0.0079%); highest among the groups gnomAD compares: African/African-American, 0.14%; no homozygotes.

Submissions (5):

CeGaT Center for Human Genetics Tuebingen
Classification: Likely benign. Last evaluated: 2025-11-01. Review status: criteria provided, single submitter. Criteria: CeGaT Center For Human Genetics Tuebingen Variant Classification Criteria Version 2. Collection method: clinical testing. Allele origin: germline. Affected: yes. Observed: 1 variant allele.
Comment: USP9X: BP4, BS2

Labcorp Genetics (formerly Invitae), Labcorp
Classification: Likely benign. Last evaluated: 2025-09-02. Review status: criteria provided, single submitter. Criteria: Invitae Variant Classification Sherloc (09022015). Collection method: clinical testing. Allele origin: germline.

Ambry Genetics
Classification: Likely benign for Inborn genetic diseases. Last evaluated: 2022-05-25. Review status: criteria provided, single submitter. Criteria: Ambry Variant Classification Scheme 2023. Collection method: clinical testing. Allele origin: germline.

GeneDx
Classification: Benign. Last evaluated: 2021-05-24. Review status: criteria provided, single submitter. Criteria: GeneDx Variant Classification Process June 2021. Collection method: clinical testing. Allele origin: germline. Affected: yes.

PreventionGenetics, part of Exact Sciences
Classification: Likely benign for USP9X-related condition. Last evaluated: 2021-03-02. Review status: no assertion criteria provided. Collection method: clinical testing. Allele origin: germline. Not counted in ClinVar's aggregate classification.
Comment: This variant is classified as likely benign based on ACMG/AMP sequence variant interpretation guidelines (Richards et al. 2015 PMID: 25741868, with internal and published modifications).

NM_001039591.3(USP9X):c.5924C>G (p.Thr1975Ser)

Gene: USP9X (ubiquitin specific peptidase 9 X-linked; plus strand). Cytogenetic location: Xp11.4.
Variant type: single nucleotide variant.
Coding change: c.5924C>G on transcript NM_001039591.3 (MANE Select); coding-DNA position 5924, C replaced by G.
Protein change: p.Thr1975Ser; replaces threonine 1975 with serine.
Molecular consequence: missense variant.
Genome position (GRCh38, 1-based): chrX:41,216,491, C>G. VCF-style: chrX-41216491-C-G. GRCh37 (hg19) VCF-style: chrX-41075744-C-G.
Other names: c.5924C>G, p.Thr1975Ser (NM_001039590.3); short protein forms T1975S.
Identifiers: ClinVar variation 1225748 (VCV001225748.17), dbSNP rs185398631, ClinGen allele CA10389037.
Genomic context (GRCh38, chrX:41,216,491, plus strand): 5'-GAATGGACACAATAGACCAAGATGATGAGTTGATAAGATATATATCAGAGCTTGCTATCA[C>G]CACCAGACCTCATCAGATTATTATGCCATCAGCCATTGAGAGAAGTGTACGGAAACAGAA-3'
Protein context (NP_001034680.2, residues 1965-1985): LIRYISELAI[Thr1975Ser]TRPHQIIMPS